The following is an entry in ClinVar:

ClinVar aggregate classification (germline): Uncertain significance (1 of 4 stars; one submission).

Submission:

GeneDx
Classification: Uncertain significance. Last evaluated: 2016-11-28. Review status: criteria provided, single submitter. Criteria: GeneDx Variant Classification (06012015). Collection method: clinical testing. Allele origin: germline. Affected: yes.
Comment: A variant of uncertain significance has been identified in the KCNQ2 gene. The G256R variant has not been published as a pathogenic variant, nor has it been reported as a benign variant to our knowledge. It was not observed in approximately 6,500 individuals of European and African American ancestry in the NHLBI Exome Sequencing Project, indicating it is not a common benign variant in these populations. The G256R variant is a non-conservative amino acid substitution, which is likely to impact secondary protein structure as these residues differ in polarity, charge, size and/or other properties. This substitution alters a conserved position predicted to be within the pore forming loop between the S5 and S6 transmembrane segments. However, in silico analysis is inconsistent in its predictions as to whether or not the variant is damaging to the protein structure/function. Therefore, based on the currently available information, it is unclear whether this variant is a pathogenic variant or a rare benign variant.

NM_172107.4(KCNQ2):c.766G>C (p.Gly256Arg)

Gene: KCNQ2 (potassium voltage-gated channel subfamily Q member 2; minus strand). Cytogenetic location: 20q13.33.
Variant type: single nucleotide variant.
Coding change: c.766G>C on transcript NM_172107.4 (MANE Select); coding-DNA position 766, G replaced by C.
Protein change: p.Gly256Arg; replaces glycine 256 with arginine.
Molecular consequence: missense variant.
Genome position (GRCh38, 1-based): chr20:63,442,456, C>G on the plus strand (G>C on the coding strand, the complement: KCNQ2 is on the minus strand). VCF-style: chr20-63442456-C-G. GRCh37 (hg19) VCF-style: chr20-62073809-C-G.
Other names: c.766G>C, p.Gly256Arg (NM_004518.6, NM_172106.3, NM_172108.5 and 1 more transcripts); short protein forms G256R.
Identifiers: ClinVar variation 373592 (VCV000373592.1), dbSNP rs1057518500, ClinGen allele CA16043227.